The following is an entry in ClinVar:

ClinVar aggregate classification (germline): Conflicting classifications of pathogenicity. Review status: criteria provided, conflicting classifications (1 of 4 stars). 3 submissions from 3 submitters: Uncertain significance (2); Benign (1). Last evaluated 2025-12-23.

Conditions:
Oto-palato-digital syndrome, type II (OPD2). Also called: Otopalatodigital Syndrome, Type II; Otopalatodigital Syndrome Type 2 (FLNA-OPD2); OPD II SYNDROME; FACIOPALATOOSSEOUS SYNDROME. Identifiers: Orphanet 669, Orphanet 90652, MedGen C1844696, MONDO:0010571, OMIM 304120.
Melnick-Needles syndrome (MNS). Also called: Melnick-Needles Syndrome (FLNA-MNS); MELNICK-NEEDLES OSTEODYSPLASTY; OSTEODYSPLASTY OF MELNICK AND NEEDLES. Identifiers: Orphanet 2484, MedGen C0025237, MONDO:0010650, OMIM 309350.
Frontometaphyseal dysplasia (FMD1). Identifiers: Orphanet 1826, MedGen C0265293, MONDO:0015942.
Heterotopia, periventricular, X-linked dominant (PVNH1). Also called: PERIVENTRICULAR NODULAR HETEROTOPIA 1; X-linked periventricular heterotopia; PERIVENTRICULAR NODULAR HETEROTOPIA 4; HETEROTOPIA, PERIVENTRICULAR, 1. Identifiers: Orphanet 2149, Orphanet 82004, MedGen C1848213, MONDO:0010233, OMIM 300049.

Allele frequency attached by ClinVar (database versions not stated): gnomAD 0.00001; gnomAD exomes 0.00001.
gnomAD v4.1: 6 of 1,201,383 alleles (0.0005%); highest among the groups gnomAD compares: African/African-American, 0.0035%; no homozygotes.

Submissions (3):

Labcorp Genetics (formerly Invitae), Labcorp
Classification: Benign for Oto-palato-digital syndrome, type II; Heterotopia, periventricular, X-linked dominant; Frontometaphyseal dysplasia; Melnick-Needles syndrome. Last evaluated: 2025-12-23. Review status: criteria provided, single submitter. Criteria: Invitae Variant Classification Sherloc (09022015). Collection method: clinical testing. Allele origin: germline.

Blueprint Genetics
Classification: Uncertain significance. Last evaluated: 2022-03-18. Review status: criteria provided, single submitter. Criteria: ACMG Guidelines, 2015. Collection method: clinical testing. Allele origin: germline.

GeneDx
Classification: Uncertain significance. Last evaluated: 2019-10-29. Review status: criteria provided, single submitter. Criteria: GeneDx Variant Classification Process June 2021. Collection method: clinical testing. Allele origin: germline. Affected: yes.
Comment: Has not been previously published as pathogenic or benign to our knowledge; In silico analysis, which includes protein predictors and evolutionary conservation, supports that this variant does not alter protein structure/function

NM_001110556.2(FLNA):c.5299G>A (p.Gly1767Ser)

Gene: FLNA (filamin A; minus strand). Cytogenetic location: Xq28.
Variant type: single nucleotide variant.
Coding change: c.5299G>A on transcript NM_001110556.2 (MANE Select); coding-DNA position 5299, G replaced by A.
Protein change: p.Gly1767Ser; replaces glycine 1767 with serine.
Molecular consequence: missense variant.
Genome position (GRCh38, 1-based): chrX:154,354,630, C>T on the plus strand (G>A on the coding strand, the complement: FLNA is on the minus strand). VCF-style: chrX-154354630-C-T. GRCh37 (hg19) VCF-style: chrX-153582998-C-T.
Other names: c.5275G>A, p.Gly1759Ser (NM_001456.4); short protein forms G1759S, G1767S.
Identifiers: ClinVar variation 1309859 (VCV001309859.6), dbSNP rs1557176498, ClinGen allele CA415206193.